The following is an entry in ClinVar:

NM_020163.3(SEMA3G):c.320G>A (p.Arg107Gln)

Gene: SEMA3G (semaphorin 3G; minus strand). Cytogenetic location: 3p21.1.
Variant type: single nucleotide variant.
Coding change: c.320G>A on transcript NM_020163.3 (MANE Select); coding-DNA position 320, G replaced by A.
Protein change: p.Arg107Gln; replaces arginine 107 with glutamine.
Molecular consequence: missense variant.
Genome position (GRCh38, 1-based): chr3:52,442,578, C>T on the plus strand (G>A on the coding strand, the complement: SEMA3G is on the minus strand). VCF-style: chr3-52442578-C-T. GRCh37 (hg19) VCF-style: chr3-52476594-C-T.
Other names: c.320G>A (NM_020163.1); short protein forms R107Q.
Identifiers: ClinVar variation 3050148 (VCV003050148.3), dbSNP rs746088829, ClinGen allele CA2438383.

ClinVar aggregate classification (germline): Likely benign. Review status: criteria provided, single submitter (1 of 4 stars). 2 submissions from 2 submitters: Likely benign (1). 1 of the submissions does not count toward it. Last evaluated 2025-01-14.

Conditions:
SEMA3G-related disorder. Also called: SEMA3G-related condition.

Allele frequency attached by ClinVar (database versions not stated): TOPMed 0.00001; ExAC 0.00003.
gnomAD v4.1: 16 of 1,614,008 alleles (0.00099%); highest among the groups gnomAD compares: Middle Eastern, 0.033%; no homozygotes.

Submissions (2):

Ambry Genetics
Classification: Likely benign. Last evaluated: 2025-01-14. Review status: criteria provided, single submitter. Criteria: Ambry Variant Classification Scheme 2023. Collection method: clinical testing. Allele origin: germline.

PreventionGenetics, part of Exact Sciences
Classification: Uncertain significance for SEMA3G-related condition. Last evaluated: 2023-12-27. Review status: no assertion criteria provided. Collection method: clinical testing. Allele origin: germline. Not counted in ClinVar's aggregate classification.
Comment: The SEMA3G c.320G>A variant is predicted to result in the amino acid substitution p.Arg107Gln. To our knowledge, this variant has not been reported in the literature. This variant is reported in 0.0062% of alleles in individuals of African descent in gnomAD. At this time, the clinical significance of this variant is uncertain due to the absence of conclusive functional and genetic evidence.